The following is an entry in ClinVar:

NM_000329.3(RPE65):c.1288C>T (p.Pro430Ser)

Gene: RPE65 (retinoid isomerohydrolase RPE65; minus strand). Cytogenetic location: 1p31.3.
Variant type: single nucleotide variant.
Coding change: c.1288C>T on transcript NM_000329.3 (MANE Select); coding-DNA position 1288, C replaced by T.
Protein change: p.Pro430Ser; replaces proline 430 with serine.
Molecular consequence: missense variant.
Genome position (GRCh38, 1-based): chr1:68,431,332, G>A on the plus strand (C>T on the coding strand, the complement: RPE65 is on the minus strand). VCF-style: chr1-68431332-G-A. GRCh37 (hg19) VCF-style: chr1-68897015-G-A.
Other names: c.1180C>T, p.Pro394Ser (NM_001406853.1); c.1012C>T, p.Pro338Ser (NM_001406856.1, NM_001406857.1); short protein forms P338S, P394S, P430S.
Identifiers: ClinVar variation 3748655 (VCV003748655.2).

ClinVar aggregate classification (germline): Uncertain significance (1 of 4 stars; one submission).

Conditions:
Leber congenital amaurosis 2 (LCA2). Also called: Autosomal Recessive RPE65-Related Retinal Degeneration; AMAUROSIS CONGENITA OF LEBER II. Identifiers: Orphanet 65, MedGen C1859844, MONDO:0008765, OMIM 204100. Disease mechanism: loss of function.
Retinitis pigmentosa 20 (RP20). Identifiers: Orphanet 791, MedGen C3151086, MONDO:0013425, OMIM 613794.

Submission:

Labcorp Genetics (formerly Invitae), Labcorp
Classification: Uncertain significance for Leber congenital amaurosis 2; Retinitis pigmentosa 20. Last evaluated: 2024-12-31. Review status: criteria provided, single submitter. Criteria: Invitae Variant Classification Sherloc (09022015). Collection method: clinical testing. Allele origin: germline.
Comment: This sequence change replaces proline, which is neutral and non-polar, with serine, which is neutral and polar, at codon 430 of the RPE65 protein (p.Pro430Ser). This variant is not present in population databases (gnomAD no frequency). This missense change has been observed in individual(s) with clinical features of RPE65-related conditions (internal data). Invitae Evidence Modeling of protein sequence and biophysical properties (such as structural, functional, and spatial information, amino acid conservation, physicochemical variation, residue mobility, and thermodynamic stability) indicates that this missense variant is not expected to disrupt RPE65 protein function with a negative predictive value of 80%. In summary, the available evidence is currently insufficient to determine the role of this variant in disease. Therefore, it has been classified as a Variant of Uncertain Significance.